The following is an entry in ClinVar:

NM_001283009.2(RTEL1):c.2115C>T (p.Tyr705=)

Genes: RTEL1-TNFRSF6B (RTEL1-TNFRSF6B readthrough (NMD candidate); plus strand), RTEL1 (regulator of telomere elongation helicase 1; plus strand). Cytogenetic location: 20q13.33.
Variant type: single nucleotide variant.
Coding change: c.2115C>T on transcript NM_001283009.2 (MANE Select); coding-DNA position 2115, C replaced by T.
Protein change: p.Tyr705=; no amino-acid change (tyrosine 705 retained).
Molecular consequence: synonymous variant. On other transcripts: non-coding transcript variant (1).
Genome position (GRCh38, 1-based): chr20:63,689,839, C>T. VCF-style: chr20-63689839-C-T. GRCh37 (hg19) VCF-style: chr20-62321192-C-T.
Other names: p.Tyr705=; c.1446C>T, p.Tyr482= (NM_001283010.1); c.2115C>T, p.Tyr705= (NM_016434.4); c.2187C>T, p.Tyr729= (NM_032957.5).
Identifiers: ClinVar variation 1155322 (VCV001155322.11), dbSNP rs756940973, ClinGen allele CA9965166.

ClinVar aggregate classification (germline): Likely benign. Review status: criteria provided, multiple submitters, no conflicts (2 of 4 stars). 3 submissions from 3 submitters: Likely benign (3). Last evaluated 2025-10-14.

Conditions:
Inborn genetic diseases. Identifiers: MedGen C0950123, MeSH D030342.
Dyskeratosis congenita, autosomal recessive 5 (DKCB5). Identifiers: MedGen C3554656, MONDO:0014076, OMIM 615190.
Pulmonary fibrosis and/or bone marrow failure, Telomere-related, 3. Also called: PULMONARY FIBROSIS AND/OR BONE MARROW FAILURE SYNDROME, TELOMERE-RELATED, 3. Identifiers: Orphanet 2032, MedGen C4225346, MONDO:0014613, OMIM 616373.

Allele frequency attached by ClinVar (database versions not stated): gnomAD 0.00002 and 0.00003; gnomAD exomes 0.00002; ExAC 0.00003; TOPMed 0.00004.
gnomAD v4.1: 29 of 1,610,672 alleles (0.0018%); highest among the groups gnomAD compares: South Asian, 0.011%; 1 homozygote.

Submissions (3):

Labcorp Genetics (formerly Invitae), Labcorp
Classification: Likely benign for Dyskeratosis congenita, autosomal recessive 5; Pulmonary fibrosis and/or bone marrow failure, Telomere-related, 3. Last evaluated: 2025-10-14. Review status: criteria provided, single submitter. Criteria: Invitae Variant Classification Sherloc (09022015). Collection method: clinical testing. Allele origin: germline.

Mayo Clinic Laboratories, Mayo Clinic
Classification: Likely benign. Last evaluated: 2025-08-22. Review status: criteria provided, single submitter. Criteria: ACMG Guidelines, 2015. Collection method: clinical testing. Allele origin: germline. Observed: 1 variant allele.
Comment: BP4, BP7

Ambry Genetics
Classification: Likely benign for Inborn genetic diseases. Last evaluated: 2024-11-20. Review status: criteria provided, single submitter. Criteria: Ambry Variant Classification Scheme 2023. Collection method: clinical testing. Allele origin: germline.